The following is an entry in ClinVar:

NM_001754.5(RUNX1):c.1271C>T (p.Ser424Leu)

Gene: RUNX1 (RUNX family transcription factor 1; minus strand). Cytogenetic location: 21q22.12.
Variant type: single nucleotide variant.
Coding change: c.1271C>T on transcript NM_001754.5 (MANE Select); coding-DNA position 1271, C replaced by T.
Protein change: p.Ser424Leu; replaces serine 424 with leucine.
Molecular consequence: missense variant.
Genome position (GRCh38, 1-based): chr21:34,792,307, G>A on the plus strand (C>T on the coding strand, the complement: RUNX1 is on the minus strand). VCF-style: chr21-34792307-G-A. GRCh37 (hg19) VCF-style: chr21-36164604-G-A.
Other names: NM_001754.5(RUNX1):c.1271C>T; p.Ser424Leu; c.1190C>T, p.Ser397Leu (NM_001001890.3); short protein forms S397L, S424L.
Identifiers: ClinVar variation 840865 (VCV000840865.14), dbSNP rs1476276192, ClinGen allele CA410147550.

ClinVar aggregate classification (germline): Uncertain significance. Review status: reviewed by expert panel (3 of 4 stars). 5 submissions from 5 submitters: Uncertain significance (1). 4 of the submissions do not count toward it. Last evaluated 2024-11-13.

Conditions:
Hereditary thrombocytopenia and hematological cancer predisposition syndrome associated with RUNX1. Also called: PLATELET DISORDER, ASPIRIN-LIKE; RUNX1 Familial Platelet Disorder with Associated Myeloid Malignancies; Familial Platelet Disorder with Propensity to Acute Myelogenous Leukemia; Familial thrombocytopenia with propensity to acute myelogenous leukemia. Identifiers: Orphanet 71290, MedGen C1832388, MeSH C563324, MONDO:0100083, OMIM 601399.
Inborn genetic diseases. Identifiers: MedGen C0950123, MeSH D030342.
Hereditary thrombocytopenia and hematologic cancer predisposition syndrome. Identifiers: Orphanet 71290, MedGen CN281654, MONDO:0011071.
Acute myeloid leukemia (AML). Also called: Acute myeloid leukemia, adult; AML adult; Acute non-lymphocytic leukemia; Acute granulocytic leukemia; Leukemia, acute myeloid, somatic; Leukemia, acute myelogenous, somatic. Identifiers: Orphanet 519, MedGen C0023467, MeSH D015470, MONDO:0018874, OMIM 601626, HP:0004808. Disease mechanism: Constitutively activated FLT3.

Allele frequency attached by ClinVar (database versions not stated): gnomAD exomes 0.00001; TOPMed 0.00005; gnomAD 0.00001.
gnomAD v4.1: 4 of 1,542,062 alleles (0.00026%); highest among the groups gnomAD compares: Admixed American, 0.0079%; no homozygotes.

Submissions (5):

ClinGen Myeloid Malignancy Variant Curation Expert Panel
Classification: Uncertain significance for Hereditary thrombocytopenia and hematologic cancer predisposition syndrome. Last evaluated: 2024-11-13. Review status: reviewed by expert panel. Criteria: ClinGen MyeloMalig ACMG Specifications v2. Collection method: curation. Allele origin: germline. Inheritance: Autosomal dominant inheritance.
Comment: NM_001754.5(RUNX1):c.1271C>T (p.Ser424Leu) is a missense variant predicted to cause the substitution of serine by leucine at amino acid 424 (p.S424L). The highest population minor allele frequency is 0.004064% (1/24606 alleles) in Admixed Americans in gnomAD v2, 0.01310% (2/15262 alleles) in gnomAD v3, and 0.007861% (4/50884 alleles) in gnomAD v4. However, the allele balance in gnomAD is somewhat skewed, and site quality appears lower compared to some common, known pathogenic variants. This variant has been reported in a pediatric T-ALL case at a VAF of 62.5%, though its germline origin was unclear (PMID: 31721781). Functional data for this specific missense variant are not available, but in vitro studies have shown that Ser424 is a phosphorylation target of CDK/Cyclin complexes (PMID: 18003885). The computational predictor REVEL gives a score of 0.407, which is below the threshold of 0.50, and the splice site predictor SpliceAI indicates that the variant has no impact on splicing, providing evidence that does not predict a damaging effect on RUNX1 function (BP4). In summary, this variant meets the criteria to be classified as a variant of uncertain significance (VUS) for autosomal dominant hereditary thrombocytopenia and hematologic cancer predisposition syndrome. ACMG/AMP criteria applied, as specified by the ClinGen Myeloid Malignancy VCEP: BP4.

Ambry Genetics
Classification: Uncertain significance for Inborn genetic diseases. Last evaluated: 2025-01-21. Review status: criteria provided, single submitter. Criteria: Ambry Variant Classification Scheme 2023. Collection method: clinical testing. Allele origin: germline. Not counted in ClinVar's aggregate classification.

Baylor Genetics
Classification: Uncertain significance for Acute myeloid leukemia. Last evaluated: 2024-01-19. Review status: criteria provided, single submitter. Criteria: ACMG Guidelines, 2015. Collection method: clinical testing. Allele origin: unknown. Not counted in ClinVar's aggregate classification.

St. Jude Molecular Pathology, St. Jude Children's Research Hospital
Classification: Uncertain significance for Hereditary thrombocytopenia and hematological cancer predisposition syndrome associated with RUNX1. Last evaluated: 2023-11-21. Review status: criteria provided, single submitter. Criteria: St. Jude Assertion Criteria 2020. Collection method: clinical testing. Allele origin: germline. Not counted in ClinVar's aggregate classification.
Comment: The RUNX1 c.1271C>T (p.Ser424Leu) missense change has a maximum subpopulation frequency of 0.0041% in gnomAD v2.1.1. The in silico tool REVEL predicts a benign effect on protein function, but to our knowledge this prediction has not been confirmed by functional studies. To our knowledge, this variant has not been reported in individuals with familial platelet disorder with associated myeloid malignancy. In summary, the evidence currently available is insufficient to determine the clinical significance of this variant. It has therefore been classified as of uncertain significance.

Labcorp Genetics (formerly Invitae), Labcorp
Classification: Uncertain significance for Hereditary thrombocytopenia and hematological cancer predisposition syndrome associated with RUNX1. Last evaluated: 2023-10-27. Review status: criteria provided, single submitter. Criteria: Invitae Variant Classification Sherloc (09022015). Collection method: clinical testing. Allele origin: germline. Not counted in ClinVar's aggregate classification.
Comment: This sequence change replaces serine, which is neutral and polar, with leucine, which is neutral and non-polar, at codon 424 of the RUNX1 protein (p.Ser424Leu). The frequency data for this variant in the population databases is considered unreliable, as metrics indicate poor data quality at this position in the gnomAD database. This variant has not been reported in the literature in individuals affected with RUNX1-related conditions. ClinVar contains an entry for this variant (Variation ID: 840865). Advanced modeling of protein sequence and biophysical properties (such as structural, functional, and spatial information, amino acid conservation, physicochemical variation, residue mobility, and thermodynamic stability) performed at Invitae indicates that this missense variant is not expected to disrupt RUNX1 protein function with a negative predictive value of 80%. In summary, the available evidence is currently insufficient to determine the role of this variant in disease. Therefore, it has been classified as a Variant of Uncertain Significance.